The following is an entry in ClinVar:

NM_178859.4(SLC51B):c.35C>T (p.Ala12Val)

Genes: RASL12 (RAS like family 12; minus strand), SLC51B (SLC51 subunit beta; plus strand). Cytogenetic location: 15q22.31.
Variant type: single nucleotide variant.
Coding change: c.35C>T on transcript NM_178859.4 (MANE Select); coding-DNA position 35, C replaced by T.
Protein change: p.Ala12Val; replaces alanine 12 with valine.
Molecular consequence: missense variant.
Genome position (GRCh38, 1-based): chr15:65,050,039, C>T. VCF-style: chr15-65050039-C-T. GRCh37 (hg19) VCF-style: chr15-65342377-C-T.
Other names: short protein forms A12V.
Identifiers: ClinVar variation 4797372 (VCV004797372.1).

ClinVar aggregate classification (germline): Uncertain significance (1 of 4 stars; one submission).

Submission:

Labcorp Genetics (formerly Invitae), Labcorp
Classification: Uncertain significance. Last evaluated: 2025-03-04. Review status: criteria provided, single submitter. Criteria: Invitae Variant Classification Sherloc (09022015). Collection method: clinical testing. Allele origin: germline.
Comment: This sequence change replaces alanine, which is neutral and non-polar, with valine, which is neutral and non-polar, at codon 12 of the SLC51B protein (p.Ala12Val). This variant is not present in population databases (gnomAD no frequency). This variant has not been reported in the literature in individuals affected with SLC51B-related conditions. An algorithm developed to predict the effect of missense changes on protein structure and function outputs the following: PolyPhen-2: "Benign". The valine amino acid residue is found in multiple mammalian species, which suggests that this missense change does not adversely affect protein function. In summary, the available evidence is currently insufficient to determine the role of this variant in disease. Therefore, it has been classified as a Variant of Uncertain Significance.